The following is an entry in ClinVar:

NC_000019.9:g.(?_41916532)_(41920072_?)del

Gene: BCKDHA (branched chain keto acid dehydrogenase E1 subunit alpha; plus strand). Cytogenetic location: 19q13.2.
Variant type: Deletion.
Identifiers: ClinVar variation 2423349 (VCV002423349.4).

ClinVar aggregate classification (germline): Pathogenic (1 of 4 stars; one submission).

Conditions:
Maple syrup urine disease (MSUD). Identifiers: Orphanet 511, MedGen C0024776, MeSH D008375, MONDO:0009563. Disease mechanism: loss of function.

Submission:

Labcorp Genetics (formerly Invitae), Labcorp
Classification: Pathogenic for Maple syrup urine disease. Last evaluated: 2022-07-21. Review status: criteria provided, single submitter. Criteria: Invitae Variant Classification Sherloc (09022015). Collection method: clinical testing. Allele origin: germline.
Comment: For these reasons, this variant has been classified as Pathogenic. A similar copy number variant has been observed in individual(s) with maple syrup urine disease (PMID: 18378174). This variant is a gross deletion of the genomic region encompassing exon(s) 2-4 of the BCKDHA gene. This deletion is out-of-frame, and is expected to create a premature termination codon and result in an absent or disrupted protein product. Loss-of-function variants in BCKDHA are known to be pathogenic (PMID: 16786533, 22593002).

Literature cited by the submitters: PubMed 18378174; PubMed 16786533; PubMed 22593002.